The following is an entry in ClinVar:

ClinVar aggregate classification (germline): Uncertain significance. Review status: criteria provided, multiple submitters, no conflicts (2 of 4 stars). 2 submissions from 2 submitters: Uncertain significance (2). Last evaluated 2025-05-28.

Conditions:
Inborn genetic diseases. Identifiers: MedGen C0950123, MeSH D030342.
Pyogenic bacterial infections due to MyD88 deficiency (IMD68). Also called: PYOGENIC BACTERIAL INFECTIONS, RECURRENT, DUE TO MYD88 DEFICIENCY. Identifiers: Orphanet 183713, MedGen C2677092, MONDO:0012839, OMIM 612260.

gnomAD v4.1: 2 of 1,613,478 alleles (0.00012%); highest among the groups gnomAD compares: Non-Finnish European, 0.00017%; no homozygotes.

Submissions (2):

Ambry Genetics
Classification: Uncertain significance for Inborn genetic diseases. Last evaluated: 2025-05-28. Review status: criteria provided, single submitter. Criteria: Ambry Variant Classification Scheme 2023. Collection method: clinical testing. Allele origin: germline.

Labcorp Genetics (formerly Invitae), Labcorp
Classification: Uncertain significance for Pyogenic bacterial infections due to MyD88 deficiency. Last evaluated: 2023-08-24. Review status: criteria provided, single submitter. Criteria: Invitae Variant Classification Sherloc (09022015). Collection method: clinical testing. Allele origin: germline.
Comment: This variant has not been reported in the literature in individuals affected with MYD88-related conditions. In summary, the available evidence is currently insufficient to determine the role of this variant in disease. Therefore, it has been classified as a Variant of Uncertain Significance. An algorithm developed to predict the effect of missense changes on protein structure and function (PolyPhen-2) suggests that this variant¬†is likely to be tolerated. ClinVar contains an entry for this variant (Variation ID: 1021056). This variant is present in population databases (rs772098418, gnomAD 0.0009%). This sequence change replaces aspartic acid, which is acidic and polar, with valine, which is neutral and non-polar, at codon 165 of the MYD88 protein (p.Asp165Val).

NM_002468.5(MYD88):c.455A>T (p.Asp152Val)

Gene: MYD88 (MYD88 innate immune signal transduction adaptor; plus strand). Cytogenetic location: 3p22.2.
Variant type: single nucleotide variant.
Coding change: c.455A>T on transcript NM_002468.5 (MANE Select); coding-DNA position 455, A replaced by T.
Protein change: p.Asp152Val; replaces aspartic acid 152 with valine.
Molecular consequence: missense variant. On other transcripts: intron variant (3).
Genome position (GRCh38, 1-based): chr3:38,139,990, A>T. VCF-style: chr3-38139990-A-T. GRCh37 (hg19) VCF-style: chr3-38181481-A-T.
Other names: c.455A>T, p.Asp152Val (NM_001172567.2, NM_001172569.3, NM_001365876.1 and 1 more transcripts); c.329-398A>T (NM_001172568.2, NM_001365877.1); c.329-767A>T (NM_001172566.2); c.494A>T (NM_002468.4); short protein forms D152V.
Identifiers: ClinVar variation 1021056 (VCV001021056.5), dbSNP rs772098418, ClinGen allele CA2316117.